The following is an entry in ClinVar:

ClinVar aggregate classification (germline): Uncertain significance. Review status: criteria provided, multiple submitters, no conflicts (2 of 4 stars). 2 submissions from 2 submitters: Uncertain significance (2). Last evaluated 2023-07-16.

Conditions:
Familial colorectal cancer. Identifiers: MedGen CN280943, MONDO:0023113. Disease mechanism: loss of function.

gnomAD v4.1: 2 of 1,613,992 alleles (0.00012%); highest among the groups gnomAD compares: Non-Finnish European, 0.00017%; no homozygotes.

Submissions (2):

Labcorp Genetics (formerly Invitae), Labcorp
Classification: Uncertain significance. Last evaluated: 2023-07-16. Review status: criteria provided, single submitter. Criteria: Invitae Variant Classification Sherloc (09022015). Collection method: clinical testing. Allele origin: germline.
Comment: This variant is not present in population databases (gnomAD no frequency). In summary, the available evidence is currently insufficient to determine the role of this variant in disease. Therefore, it has been classified as a Variant of Uncertain Significance. Advanced modeling of protein sequence and biophysical properties (such as structural, functional, and spatial information, amino acid conservation, physicochemical variation, residue mobility, and thermodynamic stability) performed at Invitae indicates that this missense variant is not expected to disrupt POLE protein function. ClinVar contains an entry for this variant (Variation ID: 584834). This variant has not been reported in the literature in individuals affected with POLE-related conditions. This sequence change replaces histidine, which is basic and polar, with glutamine, which is neutral and polar, at codon 1492 of the POLE protein (p.His1492Gln).

Mendelics
Classification: Uncertain significance for Familial colorectal cancer. Last evaluated: 2018-07-02. Review status: criteria provided, single submitter. Criteria: Mendelics Assertion Criteria 2017. Collection method: clinical testing. Allele origin: unknown.

NM_006231.4(POLE):c.4476C>G (p.His1492Gln)

Gene: POLE (DNA polymerase epsilon, catalytic subunit; minus strand). Cytogenetic location: 12q24.33.
Variant type: single nucleotide variant.
Coding change: c.4476C>G on transcript NM_006231.4 (MANE Select); coding-DNA position 4476, C replaced by G.
Protein change: p.His1492Gln; replaces histidine 1492 with glutamine.
Molecular consequence: missense variant.
Genome position (GRCh38, 1-based): chr12:132,643,299, G>C on the plus strand (C>G on the coding strand, the complement: POLE is on the minus strand). VCF-style: chr12-132643299-G-C. GRCh37 (hg19) VCF-style: chr12-133219885-G-C.
Other names: short protein forms H1492Q.
Identifiers: ClinVar variation 584834 (VCV000584834.10), dbSNP rs5744943, ClinGen allele CA387380688.